The following is an entry in ClinVar:

NM_004836.7(EIF2AK3):c.1946C>T (p.Pro649Leu)

Gene: EIF2AK3 (eukaryotic translation initiation factor 2 alpha kinase 3; minus strand). Cytogenetic location: 2p11.2.
Variant type: single nucleotide variant.
Coding change: c.1946C>T on transcript NM_004836.7 (MANE Select); coding-DNA position 1946, C replaced by T.
Protein change: p.Pro649Leu; replaces proline 649 with leucine.
Molecular consequence: missense variant.
Genome position (GRCh38, 1-based): chr2:88,576,644, G>A on the plus strand (C>T on the coding strand, the complement: EIF2AK3 is on the minus strand). VCF-style: chr2-88576644-G-A. GRCh37 (hg19) VCF-style: chr2-88876162-G-A.
Other names: c.1493C>T, p.Pro498Leu (NM_001313915.2); c.1946C>T (NM_004836.5); short protein forms P498L, P649L.
Identifiers: ClinVar variation 1460796 (VCV001460796.6), dbSNP rs752306602, ClinGen allele CA1754547.
Genomic context (GRCh38, chr2:88,576,644, plus strand): 5'-TTTTCTTGCCACTTCTCTGGTGGTGCTTCGAGCCAGGCATTGAAATATCTAACAATGCCC[G>A]GGTGTTCAAGCTTGGCTAAGGCTTTAACTTCTCGCATTACCTTTTCCCGAGCCAATTCCC-3'
Protein context (NP_004827.4, residues 639-659): EVKALAKLEH[Pro649Leu]GIVRYFNAWL

ClinVar aggregate classification (germline): Uncertain significance. Review status: criteria provided, multiple submitters, no conflicts (2 of 4 stars). 2 submissions from 2 submitters: Uncertain significance (2). Last evaluated 2022-08-06.

Conditions:
Inborn genetic diseases. Identifiers: MedGen C0950123, MeSH D030342.

Allele frequency attached by ClinVar (database versions not stated): gnomAD 0.00001; gnomAD exomes 0.00001 and 0.00003; ExAC 0.00002.
gnomAD v4.1: 23 of 1,614,030 alleles (0.0014%); highest among the groups gnomAD compares: South Asian, 0.019%; no homozygotes.

Submissions (2):

Labcorp Genetics (formerly Invitae), Labcorp
Classification: Uncertain significance. Last evaluated: 2022-08-06. Review status: criteria provided, single submitter. Criteria: Invitae Variant Classification Sherloc (09022015). Collection method: clinical testing. Allele origin: germline.
Comment: This sequence change replaces proline, which is neutral and non-polar, with leucine, which is neutral and non-polar, at codon 649 of the EIF2AK3 protein (p.Pro649Leu). This variant is present in population databases (rs752306602, gnomAD 0.02%). This variant has not been reported in the literature in individuals affected with EIF2AK3-related conditions. ClinVar contains an entry for this variant (Variation ID: 1460796). Algorithms developed to predict the effect of missense changes on protein structure and function are either unavailable or do not agree on the potential impact of this missense change (SIFT: "Tolerated"; PolyPhen-2: "Possibly Damaging"; Align-GVGD: "Class C0"). In summary, the available evidence is currently insufficient to determine the role of this variant in disease. Therefore, it has been classified as a Variant of Uncertain Significance.

Ambry Genetics
Classification: Uncertain significance for Inborn genetic diseases. Last evaluated: 2021-09-27. Review status: criteria provided, single submitter. Criteria: Ambry Variant Classification Scheme 2023. Collection method: clinical testing. Allele origin: germline.